The following is an entry in ClinVar:

NM_005450.6(NOG):c.248C>A (p.Pro83His)

Gene: NOG (noggin; plus strand). Cytogenetic location: 17q22.
Variant type: single nucleotide variant.
Coding change: c.248C>A on transcript NM_005450.6 (MANE Select); coding-DNA position 248, C replaced by A.
Protein change: p.Pro83His; replaces proline 83 with histidine.
Molecular consequence: missense variant.
Genome position (GRCh38, 1-based): chr17:56,594,471, C>A. VCF-style: chr17-56594471-C-A. GRCh37 (hg19) VCF-style: chr17-54671832-C-A.
Other names: short protein forms P83H.
Identifiers: ClinVar variation 1375843 (VCV001375843.8), dbSNP rs762937185, ClinGen allele CA8663162.

ClinVar aggregate classification (germline): Uncertain significance (1 of 4 stars; one submission).

Allele frequency attached by ClinVar (database versions not stated): gnomAD 0.00001; gnomAD exomes 0.00001; ExAC 0.00003.
gnomAD v4.1: 8 of 1,611,752 alleles (0.0005%); highest among the groups gnomAD compares: Non-Finnish European, 0.00068%; no homozygotes.

Submission:

Labcorp Genetics (formerly Invitae), Labcorp
Classification: Uncertain significance. Last evaluated: 2022-08-01. Review status: criteria provided, single submitter. Criteria: Invitae Variant Classification Sherloc (09022015). Collection method: clinical testing. Allele origin: germline.
Comment: This variant has not been reported in the literature in individuals affected with NOG-related conditions. This variant is present in population databases (rs762937185, gnomAD 0.003%). This sequence change replaces proline, which is neutral and non-polar, with histidine, which is basic and polar, at codon 83 of the NOG protein (p.Pro83His). ClinVar contains an entry for this variant (Variation ID: 1375843). In summary, the available evidence is currently insufficient to determine the role of this variant in disease. Therefore, it has been classified as a Variant of Uncertain Significance. Algorithms developed to predict the effect of missense changes on protein structure and function are either unavailable or do not agree on the potential impact of this missense change (SIFT: "Deleterious"; PolyPhen-2: "Possibly Damaging"; Align-GVGD: "Class C0").